The following is an entry in ClinVar:

NM_173494.2(DNAAF6):c.472A>G (p.Ile158Val)

Gene: DNAAF6 (dynein axonemal assembly factor 6; plus strand). Cytogenetic location: Xq22.3.
Variant type: single nucleotide variant.
Coding change: c.472A>G on transcript NM_173494.2 (MANE Select); coding-DNA position 472, A replaced by G.
Protein change: p.Ile158Val; replaces isoleucine 158 with valine.
Molecular consequence: missense variant.
Genome position (GRCh38, 1-based): chrX:107,238,964, A>G. VCF-style: chrX-107238964-A-G. GRCh37 (hg19) VCF-style: chrX-106482194-A-G.
Other names: c.472A>G (NM_001169154.1); c.472A>G, p.Ile158Val (NM_001169154.2); short protein forms I158V.
Identifiers: ClinVar variation 2841345 (VCV002841345.4), dbSNP rs1174155667, ClinGen allele CA413889900.
Genomic context (GRCh38, chrX:107,238,964, plus strand): 5'-TCTCATTTTCTCTTTCAGGCTAAAATTAAATTGCCAAATACAAACCCTTCTGATATTCAA[A>G]TTGATATCCAGGAAACAATCCTTGACCTTCGTACTCCTCAGAAGTGAGTAAAACTTAGAA-3'
Protein context (NP_775765.1, residues 148-168): LPNTNPSDIQ[Ile158Val]DIQETILDLR

ClinVar aggregate classification (germline): Uncertain significance. Review status: criteria provided, multiple submitters, no conflicts (2 of 4 stars). 2 submissions from 2 submitters: Uncertain significance (2). Last evaluated 2025-12-09.

Conditions:
Inborn genetic diseases. Identifiers: MedGen C0950123, MeSH D030342.

Allele frequency attached by ClinVar (database versions not stated): gnomAD exomes below 0.00001; gnomAD 0.00001.
gnomAD v4.1: 6 of 1,208,844 alleles (0.0005%); highest among the groups gnomAD compares: Non-Finnish European, 0.00067%; no homozygotes.

Submissions (2):

Labcorp Genetics (formerly Invitae), Labcorp
Classification: Uncertain significance. Last evaluated: 2025-12-09. Review status: criteria provided, single submitter. Criteria: Invitae Variant Classification Sherloc (09022015). Collection method: clinical testing. Allele origin: germline.
Comment: This sequence change replaces isoleucine, which is neutral and non-polar, with valine, which is neutral and non-polar, at codon 158 of the PIH1D3 protein (p.Ile158Val). This variant is not present in population databases (gnomAD no frequency). This variant has not been reported in the literature in individuals affected with PIH1D3-related conditions. ClinVar contains an entry for this variant (Variation ID: 2841345). An algorithm developed to predict the effect of missense changes on protein structure and function outputs the following: PolyPhen-2: "Benign". The valine amino acid residue is found in multiple mammalian species, which suggests that this missense change does not adversely affect protein function. In summary, the available evidence is currently insufficient to determine the role of this variant in disease. Therefore, it has been classified as a Variant of Uncertain Significance.

Ambry Genetics
Classification: Uncertain significance for Inborn genetic diseases. Last evaluated: 2024-08-11. Review status: criteria provided, single submitter. Criteria: Ambry Variant Classification Scheme 2023. Collection method: clinical testing. Allele origin: germline.